The following is an entry in ClinVar:

NM_002485.5(NBN):c.1289A>G (p.Gln430Arg)

Gene: NBN (nibrin; minus strand). Cytogenetic location: 8q21.3.
Variant type: single nucleotide variant.
Coding change: c.1289A>G on transcript NM_002485.5 (MANE Select); coding-DNA position 1289, A replaced by G.
Protein change: p.Gln430Arg; replaces glutamine 430 with arginine.
Molecular consequence: missense variant.
Genome position (GRCh38, 1-based): chr8:89,955,391, T>C on the plus strand (A>G on the coding strand, the complement: NBN is on the minus strand). VCF-style: chr8-89955391-T-C. GRCh37 (hg19) VCF-style: chr8-90967619-T-C.
Other names: c.1043A>G, p.Gln348Arg (NM_001024688.3); short protein forms Q430R, Q348R.
Identifiers: ClinVar variation 629207 (VCV000629207.15), dbSNP rs1563531531, ClinGen allele CA371656186.

ClinVar aggregate classification (germline): Uncertain significance. Review status: criteria provided, multiple submitters, no conflicts (2 of 4 stars). 3 submissions from 3 submitters: Uncertain significance (3). Last evaluated 2026-07-06.

Conditions:
Microcephaly, normal intelligence and immunodeficiency (NBS). Also called: Microcephaly with normal intelligence immunodeficiency and lymphoreticular malignancies; Nonsyndromal microcephaly autosomal recessive with normal intelligence; Seemanova syndrome 2; IMMUNODEFICIENCY, MICROCEPHALY, AND CHROMOSOMAL INSTABILITY; BERLIN BREAKAGE SYNDROME; SEEMANOVA SYNDROME II. Identifiers: Orphanet 647, MedGen C0398791, MONDO:0009623, OMIM 251260.
Hereditary cancer-predisposing syndrome. Also called: Neoplastic Syndromes, Hereditary; Hereditary Cancer Syndrome; Hereditary neoplastic syndrome; Tumor predisposition. Identifiers: Orphanet 140162, MedGen C0027672, MeSH D009386, MONDO:0015356.

Allele frequency attached by ClinVar (database versions not stated): gnomAD exomes below 0.00001.
gnomAD v4.1: 1 of 1,613,888 alleles (0.000062%); highest among the groups gnomAD compares: South Asian, 0.0011%; no homozygotes.

Submissions (3):

Ambry Genetics
Classification: Uncertain significance for Hereditary cancer-predisposing syndrome. Last evaluated: 2026-07-06. Review status: criteria provided, single submitter. Criteria: Ambry Variant Classification Scheme 2023. Collection method: clinical testing. Allele origin: germline.
Comment: The p.Q430R variant (also known as c.1289A>G), located in coding exon 10 of the NBN gene, results from an A to G substitution at nucleotide position 1289. The glutamine at codon 430 is replaced by arginine, an amino acid with highly similar properties. This amino acid position is conserved. In addition, this alteration is predicted to be tolerated by in silico analysis. Based on the available evidence, the clinical significance of this variant remains unclear.

Genome-Nilou Lab
Classification: Uncertain significance for Microcephaly, normal intelligence and immunodeficiency. Last evaluated: 2021-11-07. Review status: criteria provided, single submitter. Criteria: ACMG Guidelines, 2015. Collection method: clinical testing. Allele origin: germline. Affected: no.

Labcorp Genetics (formerly Invitae), Labcorp
Classification: Uncertain significance for Microcephaly, normal intelligence and immunodeficiency. Last evaluated: 2021-07-26. Review status: criteria provided, single submitter. Criteria: Invitae Variant Classification Sherloc (09022015). Collection method: clinical testing. Allele origin: germline.
Comment: This sequence change replaces glutamine with arginine at codon 430 of the NBN protein (p.Gln430Arg). The glutamine residue is moderately conserved and there is a small physicochemical difference between glutamine and arginine. This variant is not present in population databases (ExAC no frequency). This variant has not been reported in the literature in individuals with NBN-related conditions. ClinVar contains an entry for this variant (Variation ID: 629207). Algorithms developed to predict the effect of missense changes on protein structure and function (SIFT, PolyPhen-2, Align-GVGD) all suggest that this variant is likely to be tolerated, but these predictions have not been confirmed by published functional studies and their clinical significance is uncertain. In summary, the available evidence is currently insufficient to determine the role of this variant in disease. Therefore, it has been classified as a Variant of Uncertain Significance.